The following is an entry in ClinVar:

ClinVar aggregate classification (germline): Uncertain significance (1 of 4 stars; one submission).

Submission:

Labcorp Genetics (formerly Invitae), Labcorp
Classification: Uncertain significance. Last evaluated: 2025-06-11. Review status: criteria provided, single submitter. Criteria: Invitae Variant Classification Sherloc (09022015). Collection method: clinical testing. Allele origin: germline.
Comment: This sequence change creates a premature translational stop signal (p.Arg151*) in the ICK gene. It is expected to result in an absent or disrupted protein product. However, the current clinical and genetic evidence is not sufficient to establish whether loss-of-function variants in ICK cause disease. The frequency data for this variant in the population databases is considered unreliable, as metrics indicate poor data quality at this position in the gnomAD database. This variant has not been reported in the literature in individuals affected with ICK-related conditions. Algorithms developed to predict the effect of sequence changes on RNA splicing suggest that this variant may disrupt the consensus splice site. In summary, the available evidence is currently insufficient to determine the role of this variant in disease. Therefore, it has been classified as a Variant of Uncertain Significance.

NM_014920.5(CILK1):c.451C>T (p.Arg151Ter)

Gene: CILK1 (ciliogenesis associated kinase 1; minus strand). Cytogenetic location: 6p12.1.
Variant type: single nucleotide variant.
Coding change: c.451C>T on transcript NM_014920.5 (MANE Select); coding-DNA position 451, C replaced by T.
Protein change: p.Arg151Ter; replaces arginine 151 with a stop codon.
Molecular consequence: nonsense. On other transcripts: non-coding transcript variant (1).
Genome position (GRCh38, 1-based): chr6:53,019,267, G>A on the plus strand (C>T on the coding strand, the complement: CILK1 is on the minus strand). VCF-style: chr6-53019267-G-A. GRCh37 (hg19) VCF-style: chr6-52884065-G-A.
Other names: c.451C>T, p.Arg151Ter (NM_001375397.1, NM_001375398.1, NM_001375399.1 and 4 more transcripts); short protein forms R151*.
Identifiers: ClinVar variation 4778676 (VCV004778676.1).